The following is an entry in ClinVar:

ClinVar aggregate classification (germline): Pathogenic. Review status: criteria provided, multiple submitters, no conflicts (2 of 4 stars). 2 submissions from 2 submitters: Pathogenic (2). Last evaluated 2025-08-27.

Conditions:
Neurofibromatosis, type 1 (NF1). Also called: Neurofibromatosis, type I; VON RECKLINGHAUSEN DISEASE; NEUROFIBROMATOSIS, TYPE I, SOMATIC; Peripheral type neurofibromatosis. Identifiers: Orphanet 636, MedGen C0027831, MONDO:0018975, OMIM 162200. Disease mechanism: loss of function.

Submissions (2):

Labcorp Genetics (formerly Invitae), Labcorp
Classification: Pathogenic for Neurofibromatosis, type 1. Last evaluated: 2025-08-27. Review status: criteria provided, single submitter. Criteria: Invitae Variant Classification Sherloc (09022015). Collection method: clinical testing. Allele origin: germline.
Comment: This sequence change creates a premature translational stop signal (p.Pro2570Hisfs*33) in the NF1 gene. It is expected to result in an absent or disrupted protein product. Loss-of-function variants in NF1 are known to be pathogenic (PMID: 10712197, 23913538). This variant is not present in population databases (gnomAD no frequency). This variant has not been reported in the literature in individuals affected with NF1-related conditions. ClinVar contains an entry for this variant (Variation ID: 421434). For these reasons, this variant has been classified as Pathogenic.

GeneDx
Classification: Pathogenic. Last evaluated: 2016-06-15. Review status: criteria provided, single submitter. Criteria: GeneDx Variant Classification (06012015). Collection method: clinical testing. Allele origin: germline. Affected: yes.
Comment: This deletion of one nucleotide in NF1 is denoted c.7709delC at the cDNA level and p.Pro2570HisfsX33 (P2570HfsX33) at the protein level. The normal sequence, with the base that is deleted in braces, is CACC[C]ACAT. The deletion causes a frameshift which changes a Proline to a Histidine at codon 2570, and creates a premature stop codon at position 33 of the new reading frame. Although this variant has not, to our knowledge, been reported in the literature, it is predicted to cause loss of normal protein function through either protein truncation or nonsense-mediated mRNA decay. We consider this variant to be pathogenic.

Literature cited by the submitters: PubMed 10712197 (cited by Labcorp Genetics (formerly Invitae), Labcorp); PubMed 23913538 (cited by Labcorp Genetics (formerly Invitae), Labcorp).

NM_001042492.3(NF1):c.7772del (p.Pro2591fs)

Gene: NF1 (neurofibromin 1; plus strand). Cytogenetic location: 17q11.2.
Variant type: Deletion.
Coding change: c.7772del on transcript NM_001042492.3 (MANE Select); coding-DNA position 7772, one base deleted (C; older notation c.7772delC).
Protein change: p.Pro2591fs; shifts the reading frame from proline 2591.
Molecular consequence: frameshift variant.
Genome position (GRCh38, 1-based): chr17:31,356,993, C deleted; the last of 3 consecutive C bases (chr17:31,356,991-31,356,993); deleting any one gives the same sequence. VCF-style (leftmost placement, unchanged base first): chr17-31356990-AC-A. GRCh37 (hg19) VCF-style: chr17-29684008-AC-A.
Other names: c.7709delC (NM_000267.3); c.7709delC, p.Pro2570Hisfs (NM_000267.4); short protein forms P2570fs, P2591fs.
Identifiers: ClinVar variation 421434 (VCV000421434.3), dbSNP rs1064795136, ClinGen allele CA16620377.